The following is an entry in ClinVar:

NM_000395.3(CSF2RB):c.695A>G (p.Glu232Gly)

Gene: CSF2RB (colony stimulating factor 2 receptor subunit beta; plus strand). Cytogenetic location: 22q12.3.
Variant type: single nucleotide variant.
Coding change: c.695A>G on transcript NM_000395.3 (MANE Select); coding-DNA position 695, A replaced by G.
Protein change: p.Glu232Gly; replaces glutamic acid 232 with glycine.
Molecular consequence: missense variant.
Genome position (GRCh38, 1-based): chr22:36,929,784, A>G. VCF-style: chr22-36929784-A-G. GRCh37 (hg19) VCF-style: chr22-37325826-A-G.
Other names: c.695A>G, p.Glu232Gly (NM_001410827.1); short protein forms E232G.
Identifiers: ClinVar variation 4762719 (VCV004762719.1).

ClinVar aggregate classification (germline): Uncertain significance (1 of 4 stars; one submission).

Submission:

Labcorp Genetics (formerly Invitae), Labcorp
Classification: Uncertain significance. Last evaluated: 2025-03-26. Review status: criteria provided, single submitter. Criteria: Invitae Variant Classification Sherloc (09022015). Collection method: clinical testing. Allele origin: germline.
Comment: This sequence change replaces glutamic acid, which is acidic and polar, with glycine, which is neutral and non-polar, at codon 232 of the CSF2RB protein (p.Glu232Gly). This variant is not present in population databases (gnomAD no frequency). This variant has not been reported in the literature in individuals affected with CSF2RB-related conditions. Invitae Evidence Modeling of protein sequence and biophysical properties (such as structural, functional, and spatial information, amino acid conservation, physicochemical variation, residue mobility, and thermodynamic stability) indicates that this missense variant is expected to disrupt CSF2RB protein function with a positive predictive value of 80%. In summary, the available evidence is currently insufficient to determine the role of this variant in disease. Therefore, it has been classified as a Variant of Uncertain Significance.